The following is an entry in ClinVar:

ClinVar aggregate classification (germline): Uncertain significance (1 of 4 stars; one submission).

Conditions:
Hereditary cancer-predisposing syndrome. Also called: Hereditary Cancer Syndrome; Hereditary neoplastic syndrome; Neoplastic Syndromes, Hereditary; Tumor predisposition. Identifiers: Orphanet 140162, MedGen C0027672, MeSH D009386, MONDO:0015356.

Submission:

Ambry Genetics
Classification: Uncertain significance for Hereditary cancer-predisposing syndrome. Last evaluated: 2022-06-20. Review status: criteria provided, single submitter. Criteria: Ambry Variant Classification Scheme 2023. Collection method: clinical testing. Allele origin: germline.
Comment: The p.E459G variant (also known as c.1376A>G), located in coding exon 2 of the MET gene, results from an A to G substitution at nucleotide position 1376. The glutamic acid at codon 459 is replaced by glycine, an amino acid with similar properties. This amino acid position is conserved. In addition, this alteration is predicted to be tolerated by in silico analysis. Since supporting evidence is limited at this time, the clinical significance of this alteration remains unclear.

NM_000245.4(MET):c.1376A>G (p.Glu459Gly)

Gene: MET (MET proto-oncogene, receptor tyrosine kinase; plus strand). Cytogenetic location: 7q31.2.
Variant type: single nucleotide variant.
Coding change: c.1376A>G on transcript NM_000245.4 (MANE Select); coding-DNA position 1376, A replaced by G.
Protein change: p.Glu459Gly; replaces glutamic acid 459 with glycine.
Molecular consequence: missense variant.
Genome position (GRCh38, 1-based): chr7:116,731,843, A>G. VCF-style: chr7-116731843-A-G. GRCh37 (hg19) VCF-style: chr7-116371897-A-G.
Other names: c.1376A>G, p.Glu459Gly (NM_001127500.3, NM_001324401.3); c.86A>G, p.Glu29Gly (NM_001324402.2); short protein forms E459G, E29G.
Identifiers: ClinVar variation 1771160 (VCV001771160.2), dbSNP rs2485614100, ClinGen allele CA368973109.
Genomic context (GRCh38, chr7:116,731,843, plus strand): 5'-TAACATCTATATCCACCTTCATTAAAGGAGACCTCACCATAGCTAATCTTGGGACATCAG[A>G]GGGTCGCTTCATGCAGGTAAGTGCTTTCTGAGAGTAGCTGTGTCTGTTCTATCTGGTATT-3'
Protein context (NP_000236.2, residues 449-469): DLTIANLGTS[Glu459Gly]GRFMQVVVSR